The following is an entry in ClinVar:

ClinVar aggregate classification (germline): Uncertain significance (1 of 4 stars; one submission).

Conditions:
Hereditary sensory and autonomic neuropathy type 6. Also called: HSAN VI; Neuropathy, hereditary sensory and autonomic, type VI. Identifiers: Orphanet 314381, MedGen C3539003, MONDO:0013839, OMIM 614653.
Epidermolysis bullosa simplex 3, localized or generalized intermediate, with BP230 deficiency (EBS3). Also called: Epidermolysis bullosa simplex due to BP230 deficiency; Epidermolysis bullosa simplex, autosomal recessive 2. Identifiers: Orphanet 412181, MedGen C3809470, MONDO:0014180, OMIM 615425.

Allele frequency attached by ClinVar (database versions not stated): gnomAD exomes below 0.00001; TOPMed below 0.00001; gnomAD 0.00001.
gnomAD v4.1: 6 of 1,613,612 alleles (0.00037%); highest among the groups gnomAD compares: South Asian, 0.0022%; no homozygotes.

Submission:

Labcorp Genetics (formerly Invitae), Labcorp
Classification: Uncertain significance for Epidermolysis bullosa simplex 3, localized or generalized intermediate, with BP230 deficiency; Hereditary sensory and autonomic neuropathy type 6. Last evaluated: 2022-02-17. Review status: criteria provided, single submitter. Criteria: Invitae Variant Classification Sherloc (09022015). Collection method: clinical testing. Allele origin: germline.
Comment: In summary, the available evidence is currently insufficient to determine the role of this variant in disease. Therefore, it has been classified as a Variant of Uncertain Significance. Experimental studies and prediction algorithms are not available or were not evaluated, and the functional significance of this variant is currently unknown. This variant has not been reported in the literature in individuals affected with DST-related conditions. This variant is present in population databases (no rsID available, gnomAD 0.003%). This sequence change replaces histidine, which is basic and polar, with tyrosine, which is neutral and polar, at codon 3187 of the DST protein (p.His3187Tyr). The DST gene has multiple clinically relevant transcripts. This variant occurs in alternate transcript NM_015548.4, and corresponds to NM_001723.5:c.*85902C>T in the primary transcript.

NM_001374736.1(DST):c.17428C>T (p.His5810Tyr)

Gene: DST (dystonin; minus strand). Cytogenetic location: 6p12.1.
Variant type: single nucleotide variant.
Coding change: c.17428C>T on transcript NM_001374736.1 (MANE Select); coding-DNA position 17428, C replaced by T.
Protein change: p.His5810Tyr; replaces histidine 5810 with tyrosine.
Molecular consequence: missense variant. On other transcripts: intron variant (2).
Genome position (GRCh38, 1-based): chr6:56,529,615, G>A on the plus strand (C>T on the coding strand, the complement: DST is on the minus strand). VCF-style: chr6-56529615-G-A. GRCh37 (hg19) VCF-style: chr6-56394413-G-A.
Other names: c.11071C>T, p.His3691Tyr (NM_001144769.5); c.10657C>T, p.His3553Tyr (NM_001144770.2); c.17428C>T, p.His5810Tyr (NM_001374722.1); c.17455C>T, p.His5819Tyr (NM_001374734.1); c.10537C>T, p.His3513Tyr (NM_001386100.1, NM_183380.4); c.9559C>T, p.His3187Tyr (NM_015548.5); c.10377+359C>T (NM_001374730.1); c.16635+359C>T (NM_001374729.1); short protein forms H3553Y, H5810Y, H3187Y, H3513Y, H5819Y, H3691Y.
Identifiers: ClinVar variation 2151537 (VCV002151537.3), dbSNP rs1436932574, ClinGen allele CA364508332.